The following is an entry in ClinVar:

NM_004519.4(KCNQ3):c.1141-3C>T

Gene: KCNQ3 (potassium voltage-gated channel subfamily Q member 3; minus strand). Cytogenetic location: 8q24.22.
Variant type: single nucleotide variant.
Coding change: c.1141-3C>T on transcript NM_004519.4 (MANE Select); 3 bases into the intron before coding-DNA position 1141, C replaced by T.
Molecular consequence: intron variant.
Genome position (GRCh38, 1-based): chr8:132,170,431, G>A on the plus strand (C>T on the coding strand, the complement: KCNQ3 is on the minus strand). VCF-style: chr8-132170431-G-A. GRCh37 (hg19) VCF-style: chr8-133182678-G-A.
Other names: c.781-3C>T (NM_001204824.2).
Identifiers: ClinVar variation 387096 (VCV000387096.11), dbSNP rs377479583, ClinGen allele CA4880763.
Genomic context (GRCh38, chr8:132,170,431, plus strand): 5'-TCCATGTCGCCACCAGGTCAATCCTGTTGGGGTTGGTAGCATAATACCTCCAGGCAGCCT[G>A]AGGGGCAGAAAAGAGGGGCAACAATGAGTGGGCACCACCTGAAACTTTCGCACAGACTCC-3'

ClinVar aggregate classification (germline): Conflicting classifications of pathogenicity. Review status: criteria provided, conflicting classifications (1 of 4 stars). 3 submissions from 3 submitters: Uncertain significance (1); Benign (1); Likely benign (1). Last evaluated 2025-05-25.

Conditions:
Benign neonatal seizures. Also called: Benign familial neonatal seizures; Benign neonatal familial convulsions; Benign familial neonatal epilepsy; Convulsions benign familial neonatal dominant form; Autosomal dominant form of benign neonatal seizures. Identifiers: Orphanet 1949, MedGen C0220669, MONDO:0016027.

Allele frequency attached by ClinVar (database versions not stated): ExAC 0.00001; gnomAD 0.00001; gnomAD exomes 0.00002 and 0.00004; TOPMed 0.00003; ESP Exome Variant Server 0.00008.
gnomAD v4.1: 60 of 1,609,904 alleles (0.0037%); highest among the groups gnomAD compares: Non-Finnish European, 0.0051%; no homozygotes.

Submissions (4):

Labcorp Genetics (formerly Invitae), Labcorp
Classification: Uncertain significance for Benign neonatal seizures. Last evaluated: 2025-05-25. Review status: criteria provided, single submitter. Criteria: Invitae Variant Classification Sherloc (09022015). Collection method: clinical testing. Allele origin: germline.
Comment: This sequence change falls in intron 7 of the KCNQ3 gene. It does not directly change the encoded amino acid sequence of the KCNQ3 protein. It affects a nucleotide within the consensus splice site. This variant is present in population databases (rs377479583, gnomAD 0.004%). This variant has not been reported in the literature in individuals affected with KCNQ3-related conditions. ClinVar contains an entry for this variant (Variation ID: 387096). Variants that disrupt the consensus splice site are a relatively common cause of aberrant splicing (PMID: 17576681, 9536098). Algorithms developed to predict the effect of sequence changes on RNA splicing suggest that this variant is not likely to affect RNA splicing. In summary, the available evidence is currently insufficient to determine the role of this variant in disease. Therefore, it has been classified as a Variant of Uncertain Significance.

Laboratory of Genetics, Children's Clinical University Hospital Latvia
Classification: Benign. Last evaluated: 2025-02-16. Review status: criteria provided, single submitter. Criteria: ACMG Guidelines, 2015. Collection method: clinical testing. Allele origin: germline. Affected: yes.

GeneDx
Classification: Likely benign. Last evaluated: 2020-03-09. Review status: criteria provided, single submitter. Criteria: GeneDx Variant Classification Process June 2021. Collection method: clinical testing. Allele origin: germline. Affected: yes.

Dr. Peter K. Rogan Lab, Western University
No classification provided (evidence only). Condition: Cervical cancer. Review status: no classification provided. Collection method: in vitro. Allele origin: not applicable. Functional consequence: retained intron. Not counted in ClinVar's aggregate classification.

Literature cited by the submitters: PubMed 17576681 (cited by Labcorp Genetics (formerly Invitae), Labcorp); PubMed 9536098 (cited by Labcorp Genetics (formerly Invitae), Labcorp).